The following is an entry in ClinVar:

NM_001330311.2(DVL1):c.1667C>T (p.Pro556Leu)

Gene: DVL1 (dishevelled segment polarity protein 1; minus strand). Cytogenetic location: 1p36.33.
Variant type: single nucleotide variant.
Coding change: c.1667C>T on transcript NM_001330311.2 (MANE Select); coding-DNA position 1667, C replaced by T.
Protein change: p.Pro556Leu; replaces proline 556 with leucine.
Molecular consequence: missense variant.
Genome position (GRCh38, 1-based): chr1:1,338,024, G>A on the plus strand (C>T on the coding strand, the complement: DVL1 is on the minus strand). VCF-style: chr1-1338024-G-A. GRCh37 (hg19) VCF-style: chr1-1273404-G-A.
Other names: c.1592C>T, p.Pro531Leu (NM_004421.3); short protein forms P531L, P556L.
Identifiers: ClinVar variation 2551188 (VCV002551188.5), dbSNP rs756731811, ClinGen allele CA519976.
Genomic context (GRCh38, chr1:1,338,024, plus strand): 5'-GCGGCGTTCTCACCTTCACTCTGCTGACTCCCGGTGCTGCCGCTGCCATAGCTAAAGCCC[G>A]GGTCCTGGTAGGCAGGCGGGAAGCAGGGTGGGGGTCCCGGGTACTGGTAGGGGTAGCCCT-3'
Protein context (NP_001317240.1, residues 546-566): PPCFPPAYQD[Pro556Leu]GFSYGSGSTG

ClinVar aggregate classification (germline): Uncertain significance. Review status: criteria provided, multiple submitters, no conflicts (2 of 4 stars). 2 submissions from 2 submitters: Uncertain significance (2). Last evaluated 2025-10-08.

Conditions:
Inborn genetic diseases. Identifiers: MedGen C0950123, MeSH D030342.

Allele frequency attached by ClinVar (database versions not stated): TOPMed 0.00024; ExAC 0.00001; gnomAD 0.00030.
gnomAD v4.1: 96 of 1,611,842 alleles (0.006%); highest among the groups gnomAD compares: Admixed American, 0.092%; no homozygotes.

Submissions (2):

Labcorp Genetics (formerly Invitae), Labcorp
Classification: Uncertain significance. Last evaluated: 2025-10-08. Review status: criteria provided, single submitter. Criteria: Invitae Variant Classification Sherloc (09022015). Collection method: clinical testing. Allele origin: germline.
Comment: This sequence change replaces proline, which is neutral and non-polar, with leucine, which is neutral and non-polar, at codon 531 of the DVL1 protein (p.Pro531Leu). This variant is present in population databases (rs756731811, gnomAD 0.04%), and has an allele count higher than expected for a pathogenic variant. This variant has not been reported in the literature in individuals affected with DVL1-related conditions. ClinVar contains an entry for this variant (Variation ID: 2551188). Invitae Evidence Modeling of protein sequence and biophysical properties (such as structural, functional, and spatial information, amino acid conservation, physicochemical variation, residue mobility, and thermodynamic stability) indicates that this missense variant is not expected to disrupt DVL1 protein function with a negative predictive value of 80%. In summary, the available evidence is currently insufficient to determine the role of this variant in disease. Therefore, it has been classified as a Variant of Uncertain Significance.

Ambry Genetics
Classification: Uncertain significance for Inborn genetic diseases. Last evaluated: 2023-05-24. Review status: criteria provided, single submitter. Criteria: Ambry Variant Classification Scheme 2023. Collection method: clinical testing. Allele origin: germline.